The following is an entry in ClinVar:

ClinVar aggregate classification (germline): Uncertain significance (1 of 4 stars; one submission).

Submission:

Labcorp Genetics (formerly Invitae), Labcorp
Classification: Uncertain significance. Last evaluated: 2020-11-16. Review status: criteria provided, single submitter. Criteria: Invitae Variant Classification Sherloc (09022015). Collection method: clinical testing. Allele origin: germline.
Comment: This variant results in a copy number gain of the genomic region encompassing exon(s) 1-3 of the USH2A gene. This region includes the initiator codon of the gene. The 5' end of this event is unknown as it extends beyond the assayed region for this gene and therefore may encompass additional genes. The 3' boundary is likely confined to intron 3 of the USH2A gene. As the precise location of this event is unknown, it may be in tandem or it may be located elsewhere in the genome. This variant has not been reported in the literature in individuals with USH2A-related conditions. Experimental studies and prediction algorithms are not available or were not evaluated, and the functional significance of this variant is currently unknown. In summary, the available evidence is currently insufficient to determine the role of this variant in disease. Therefore, it has been classified as a Variant of Uncertain Significance.

NC_000001.10:g.(?_216591836)_(216596610_?)dup

Gene: USH2A (usherin; minus strand). Cytogenetic location: 1q41.
Variant type: Duplication.
Identifiers: ClinVar variation 2427752 (VCV002427752.3).